The following is an entry in ClinVar:

ClinVar aggregate classification (germline): Uncertain significance (1 of 4 stars; one submission).

Conditions:
Combined oxidative phosphorylation defect type 17. Also called: Combined oxidative phosphorylation deficiency 17. Identifiers: Orphanet 369913, MedGen C3809526, MONDO:0014190, OMIM 615440.

Submission:

Labcorp Genetics (formerly Invitae), Labcorp
Classification: Uncertain significance for Combined oxidative phosphorylation defect type 17. Last evaluated: 2022-03-14. Review status: criteria provided, single submitter. Criteria: Invitae Variant Classification Sherloc (09022015). Collection method: clinical testing. Allele origin: germline.
Comment: This sequence change replaces alanine, which is neutral and non-polar, with glycine, which is neutral and non-polar, at codon 3 of the ELAC2 protein (p.Ala3Gly). This variant is not present in population databases (gnomAD no frequency). This variant has not been reported in the literature in individuals affected with ELAC2-related conditions. Algorithms developed to predict the effect of missense changes on protein structure and function (SIFT, PolyPhen-2, Align-GVGD) all suggest that this variant is likely to be tolerated. In summary, the available evidence is currently insufficient to determine the role of this variant in disease. Therefore, it has been classified as a Variant of Uncertain Significance.

NM_018127.7(ELAC2):c.8C>G (p.Ala3Gly)

Gene: ELAC2 (elaC ribonuclease Z 2; minus strand). Cytogenetic location: 17p12.
Variant type: single nucleotide variant.
Coding change: c.8C>G on transcript NM_018127.7 (MANE Select); coding-DNA position 8, C replaced by G.
Protein change: p.Ala3Gly; replaces alanine 3 with glycine.
Molecular consequence: missense variant.
Genome position (GRCh38, 1-based): chr17:13,017,940, G>C on the plus strand (C>G on the coding strand, the complement: ELAC2 is on the minus strand). VCF-style: chr17-13017940-G-C. GRCh37 (hg19) VCF-style: chr17-12921257-G-C.
Other names: c.8C>G, p.Ala3Gly (NM_001165962.2, NM_173717.2); short protein forms A3G.
Identifiers: ClinVar variation 2112126 (VCV002112126.4), dbSNP rs1273371887, ClinGen allele CA398219515.
Genomic context (GRCh38, chr17:13,017,940, plus strand): 5'-GATATGGTGCGTCCCTGCGACATGGTGCGTCCGGCCGCGGACCGCAGCAGCGAGCAAAGC[G>C]CCCACATGCGCCCGTCTCCACCAAAACTGAGAAAGCCGCCGGTCACCTACGCCCGCGTTT-3'
Protein context (NP_060597.4, residues 1-13): MW[Ala3Gly]LCSLLRSAAG